The following is an entry in ClinVar:

ClinVar aggregate classification (germline): Pathogenic/Likely pathogenic. Review status: criteria provided, multiple submitters, no conflicts (2 of 4 stars). 7 submissions from 7 submitters: Pathogenic (3); Likely pathogenic (3). 1 of the submissions does not count toward it. Last evaluated 2026-04-07.

Conditions:
NMNAT1-related disorder. Also called: NMNAT1-related condition.
Leber congenital amaurosis 9 (LCA9). Also called: LCA9 Leber Congenital Amaurosis; LCA 9; Amaurosis congenita of Leber, type 9. Identifiers: Orphanet 65, MedGen C1837873, MONDO:0012056, OMIM 608553.
Spondyloepiphyseal dysplasia, sensorineural hearing loss, impaired intellectual development, and leber congenital amaurosis. Also called: SHILCA SYNDROME. Identifiers: Orphanet 611207, MedGen C5543257, MONDO:0031007, OMIM 619260.

Allele frequency attached by ClinVar (database versions not stated): gnomAD exomes 0.00001; ExAC 0.00003; gnomAD 0.00010 and 0.00011; TOPMed 0.00012.
gnomAD v4.1: 27 of 1,610,890 alleles (0.0017%); highest among the groups gnomAD compares: African/African-American, 0.035%; no homozygotes.

Submissions (7):

PreventionGenetics, part of Exact Sciences
Classification: Likely pathogenic for NMNAT1-related condition. Last evaluated: 2026-04-07. Review status: criteria provided, single submitter. Criteria: ACMG Guidelines, 2015. Collection method: clinical testing. Allele origin: germline.
Comment: The NMNAT1 c.293T>G variant is predicted to result in the amino acid substitution p.Val98Gly. This variant has been reported in individuals with Leber congenital amaurosis or retinal disease (Chiang et al. 2012. PubMed ID: 22842231; Falk et al. 2012. PubMed ID: 22842227; Koenekoop et al. 2012. PubMed ID: 22842230; Table S1, Lin et al. 2024. PubMed ID: 38219857; Sallum et al. 2020. PubMed ID: 32865313). This variant has been shown to impact protein expression (Sasaki et al. 2015. PubMed ID: 26018082). This variant is reported in 0.020% of alleles in individuals of African descent in gnomAD. This variant is interpreted as likely pathogenic.

Dasa
Classification: Pathogenic. Last evaluated: 2026-02-27. Review status: criteria provided, single submitter. Criteria: DASA Assertion Criteria. Collection method: clinical testing. Allele origin: germline.
Comment: NM_022787.4(NMNAT1):c.293T>G (p.Val98Gly) is a missense variant that results in the substitution of valine with glycine. Segregation evidence has been reported in affected families. This variant has been observed in affected individuals with related phenotype in a genotype context consistent with recessive disease (PMID: 22842227; PMID: 22842230; PMID: 29186038; PMID: 36369640; PMID: 22842231). This variant has been recurrently observed in individuals with related phenotype (PMID: 22842227; PMID: 22842230; PMID: 29186038; PMID: 36369640; PMID: 22842231). Multiple computational predictions support a deleterious effect on the gene or gene product. The variant is present at low frequency in population datasets. Based on the available data, this variant is classified as pathogenic.

Labcorp Genetics (formerly Invitae), Labcorp
Classification: Pathogenic for Leber congenital amaurosis 9. Last evaluated: 2025-07-28. Review status: criteria provided, single submitter. Criteria: Invitae Variant Classification Sherloc (09022015). Collection method: clinical testing. Allele origin: germline.
Comment: This sequence change replaces valine, which is neutral and non-polar, with glycine, which is neutral and non-polar, at codon 98 of the NMNAT1 protein (p.Val98Gly). This variant is present in population databases (rs771336246, gnomAD 0.02%). This missense change has been observed in individual(s) with clinical features of NMNAT1-related conditions (PMID: 22842227, 22842231; internal data). In at least one individual the data is consistent with being in trans (on the opposite chromosome) from a pathogenic variant. ClinVar contains an entry for this variant (Variation ID: 866255). Invitae Evidence Modeling of protein sequence and biophysical properties (such as structural, functional, and spatial information, amino acid conservation, physicochemical variation, residue mobility, and thermodynamic stability) indicates that this missense variant is expected to disrupt NMNAT1 protein function with a positive predictive value of 80%. Experimental studies have shown that this missense change affects NMNAT1 function (PMID: 26018082). For these reasons, this variant has been classified as Pathogenic.

Blueprint Genetics
Classification: Pathogenic for NMNAT1-related disorders. Last evaluated: 2024-07-15. Review status: criteria provided, single submitter. Criteria: ACMG Guidelines, 2015. Collection method: clinical testing. Allele origin: germline. Affected: yes. Observed: 5 variant alleles.

GeneDx
Classification: Likely pathogenic. Last evaluated: 2023-10-14. Review status: criteria provided, single submitter. Criteria: GeneDx Variant Classification Process June 2021. Collection method: clinical testing. Allele origin: germline. Affected: yes.
Comment: Published functional studies demonstrate that this variant leads to reduced protein stability and enzymatic activity (Sasaki et al., 2015); In silico analysis, which includes protein predictors and evolutionary conservation, supports a deleterious effect; This variant is associated with the following publications: (PMID: 22842231, 26018082, 22842230, 22842227, 27535533, 32865313)

Greenwood Genetic Center Diagnostic Laboratories, Greenwood Genetic Center
Classification: Likely pathogenic for Spondyloepiphyseal dysplasia, sensorineural hearing loss, impaired intellectual development, and leber congenital amaurosis. Last evaluated: 2022-03-09. Review status: criteria provided, single submitter. Criteria: ACMG Guidelines, 2015. Collection method: clinical testing. Allele origin: germline. Affected: yes.
Comment: PS3, PM2, PM3, PP3

Laboratory of Genetics in Ophthalmology, Institut Imagine
Classification: Likely pathogenic for Leber congenital amaurosis 9. Review status: no assertion criteria provided. Collection method: research. Allele origin: inherited. Affected: yes. Observed: 1 variant allele. Not counted in ClinVar's aggregate classification.

Literature cited by the submitters: PubMed 22842227 (cited by 3 submitters); PubMed 22842230 (cited by Dasa and Laboratory of Genetics in Ophthalmology, Institut Imagine); PubMed 29186038 (cited by Dasa); PubMed 36369640 (cited by Dasa); PubMed 22842231 (cited by 3 submitters); PubMed 26018082 (cited by Dasa and Labcorp Genetics (formerly Invitae), Labcorp).

NM_022787.4(NMNAT1):c.293T>G (p.Val98Gly)

Gene: NMNAT1 (nicotinamide nucleotide adenylyltransferase 1; plus strand). Cytogenetic location: 1p36.22.
Variant type: single nucleotide variant.
Coding change: c.293T>G on transcript NM_022787.4 (MANE Select); coding-DNA position 293, T replaced by G.
Protein change: p.Val98Gly; replaces valine 98 with glycine.
Molecular consequence: missense variant.
Genome position (GRCh38, 1-based): chr1:9,975,769, T>G. VCF-style: chr1-9975769-T-G. GRCh37 (hg19) VCF-style: chr1-10035827-T-G.
Other names: c.293T>G, p.Val98Gly (NM_001297778.1, NM_001297779.2); short protein forms V98G.
Identifiers: ClinVar variation 866255 (VCV000866255.16), dbSNP rs771336246, ClinGen allele CA579191.
Genomic context (GRCh38, chr1:9,975,769, plus strand): 5'-AATGGGTGGAAGTTGATACATGGGAAAGTCTTCAGAAGGAGTGGAAAGAGACTCTGAAGG[T>G]GCTAAGGTATTTATGGTGTAATCAACTTTGTCAGTTCTGTGTAAATGGCTAAGCGGCTTA-3'
Protein context (NP_073624.2, residues 88-108): LQKEWKETLK[Val98Gly]LRHHQEKLEA